The following is an entry in ClinVar:

ClinVar aggregate classification (germline): Uncertain significance (1 of 4 stars; one submission).

Conditions:
Cardiovascular phenotype. Identifiers: MedGen CN230736.

Submission:

Ambry Genetics
Classification: Uncertain significance for Cardiovascular phenotype. Last evaluated: 2026-02-13. Review status: criteria provided, single submitter. Criteria: Ambry Variant Classification Scheme 2023. Collection method: clinical testing. Allele origin: germline.
Comment: The p.P33R variant (also known as c.98C>G), located in coding exon 1 of the LMF1 gene, results from a C to G substitution at nucleotide position 98. The proline at codon 33 is replaced by arginine, an amino acid with dissimilar properties. This amino acid position is conserved. In addition, this alteration is predicted to be tolerated by in silico analysis. Based on the available evidence, the clinical significance of this variant remains unclear.

NM_022773.4(LMF1):c.98C>G (p.Pro33Arg)

Genes: LMF1 (lipase maturation factor 1; minus strand), LOC130058141 (ATAC-STARR-seq lymphoblastoid silent region 6962; plus strand). Cytogenetic location: 16p13.3.
Variant type: single nucleotide variant.
Coding change: c.98C>G on transcript NM_022773.4 (MANE Select); coding-DNA position 98, C replaced by G.
Protein change: p.Pro33Arg; replaces proline 33 with arginine.
Molecular consequence: missense variant. On other transcripts: 5 prime UTR variant (1), non-coding transcript variant (1), intron variant (3).
Genome position (GRCh38, 1-based): chr16:970,883, G>C on the plus strand (C>G on the coding strand, the complement: LMF1 is on the minus strand). VCF-style: chr16-970883-G-C. GRCh37 (hg19) VCF-style: chr16-1020883-G-C.
Other names: c.98C>G, p.Pro33Arg (NM_001352020.1); c.-608C>G (NM_001352021.2); c.-135+10262C>G (NM_001352019.2); c.-611+10262C>G (NM_001352017.2); c.-362+10262C>G (NM_001352018.2); short protein forms P33R.
Identifiers: ClinVar variation 4824657 (VCV004824657.1).